The following is an entry in ClinVar:

ClinVar aggregate classification (germline): Pathogenic/Likely pathogenic. Review status: criteria provided, multiple submitters, no conflicts (2 of 4 stars). 2 submissions from 2 submitters: Pathogenic (1); Likely pathogenic (1). Last evaluated 2024-07-11.

Conditions:
Deficiency of malonyl-CoA decarboxylase. Also called: Malonic aciduria; MCD deficiency. Identifiers: OMIM 248360, Orphanet 943, MedGen C0342793, MONDO:0009556.

Allele frequency attached by ClinVar (database versions not stated): gnomAD exomes below 0.00001 and 0.00001; ExAC 0.00001; gnomAD 0.00001; TOPMed 0.00001.
gnomAD v4.1: 4 of 1,614,036 alleles (0.00025%); highest among the groups gnomAD compares: East Asian, 0.0022%; no homozygotes.

Submissions (2):

Labcorp Genetics (formerly Invitae), Labcorp
Classification: Pathogenic for Deficiency of malonyl-CoA decarboxylase. Last evaluated: 2024-07-11. Review status: criteria provided, single submitter. Criteria: Invitae Variant Classification Sherloc (09022015). Collection method: clinical testing. Allele origin: germline.
Comment: This sequence change creates a premature translational stop signal (p.Arg310*) in the MLYCD gene. While this is not anticipated to result in nonsense mediated decay, it is expected to disrupt the last 184 amino acid(s) of the MLYCD protein. This variant is present in population databases (rs759043861, gnomAD 0.0009%). This variant has not been reported in the literature in individuals affected with MLYCD-related conditions. ClinVar contains an entry for this variant (Variation ID: 1324724). This variant disrupts a region of the MLYCD protein in which other variant(s) (p.Trp384_Gln386del) have been determined to be pathogenic (PMID: 12955715). This suggests that this is a clinically significant region of the protein, and that variants that disrupt it are likely to be disease-causing. For these reasons, this variant has been classified as Pathogenic.

Baylor Genetics
Classification: Likely pathogenic for Deficiency of malonyl-CoA decarboxylase. Last evaluated: 2022-04-14. Review status: criteria provided, single submitter. Criteria: ACMG Guidelines, 2015. Collection method: clinical testing. Allele origin: unknown.

Literature cited by the submitters: PubMed 12955715 (cited by Labcorp Genetics (formerly Invitae), Labcorp).

NM_012213.3(MLYCD):c.928C>T (p.Arg310Ter)

Genes: MLYCD (malonyl-CoA decarboxylase; plus strand), LOC126862422 (CDK7 strongly-dependent group 2 enhancer GRCh37_chr16:83945234-83946433; plus strand). Cytogenetic location: 16q23.3.
Variant type: single nucleotide variant.
Coding change: c.928C>T on transcript NM_012213.3 (MANE Select); coding-DNA position 928, C replaced by T.
Protein change: p.Arg310Ter; replaces arginine 310 with a stop codon.
Molecular consequence: nonsense.
Genome position (GRCh38, 1-based): chr16:83,912,347, C>T. VCF-style: chr16-83912347-C-T. GRCh37 (hg19) VCF-style: chr16-83945952-C-T.
Other names: short protein forms R310*.
Identifiers: ClinVar variation 1324724 (VCV001324724.5), dbSNP rs759043861, ClinGen allele CA8197430.